The following is an entry in ClinVar:

ClinVar aggregate classification (germline): Uncertain significance. Review status: criteria provided, multiple submitters, no conflicts (2 of 4 stars). 3 submissions from 3 submitters: Uncertain significance (2). 1 of the submissions does not count toward it. Last evaluated 2024-08-31.

Conditions:
DMAP1-associated disorder.
INTELLECTUAL DEVELOPMENTAL DISORDER, AUTOSOMAL RECESSIVE 86 (MRT86). Identifiers: MedGen CN382545, OMIM 621738.

Allele frequency attached by ClinVar (database versions not stated): TOPMed 0.00001; ExAC 0.00001; gnomAD 0.00001; gnomAD exomes 0.00002.

Submissions (3):

Blueprint Genetics
Classification: Uncertain significance. Last evaluated: 2024-08-31. Review status: criteria provided, single submitter. Criteria: ACMG Guidelines, 2015. Collection method: clinical testing. Allele origin: germline.

Institute of Human Genetics, University of Leipzig Medical Center
Classification: Uncertain significance for DMAP1-associated disorder. Last evaluated: 2022-12-02. Review status: criteria provided, single submitter. Criteria: ACMG Guidelines, 2015. Collection method: clinical testing. Allele origin: maternal. Affected: yes.
Comment: Criteria applied: PM2_SUP

OMIM
Classification: Pathogenic for INTELLECTUAL DEVELOPMENTAL DISORDER, AUTOSOMAL RECESSIVE 86. Last evaluated: 2026-10-13. Review status: no assertion criteria provided. Collection method: literature only. Allele origin: germline. Not counted in ClinVar's aggregate classification.

Literature cited by the submitters: PubMed 42275155 (cited by OMIM).

NM_019100.5(DMAP1):c.670C>T (p.Arg224Ter)

Gene: DMAP1 (DNA methyltransferase 1 associated protein 1; plus strand). Cytogenetic location: 1p34.1.
Variant type: single nucleotide variant.
Coding change: c.670C>T on transcript NM_019100.5 (MANE Select); coding-DNA position 670, C replaced by T.
Protein change: p.Arg224Ter; replaces arginine 224 with a stop codon.
Molecular consequence: nonsense.
Genome position (GRCh38, 1-based): chr1:44,218,705, C>T. VCF-style: chr1-44218705-C-T. GRCh37 (hg19) VCF-style: chr1-44684377-C-T.
Other names: c.670C>T, p.Arg224Ter (NM_001034023.2, NM_001034024.2); short protein forms R224*.
Identifiers: ClinVar variation 3068491 (VCV003068491.4), dbSNP rs776362349, ClinGen allele CA818624.